The following is an entry in ClinVar:

ClinVar aggregate classification (germline): Uncertain significance (1 of 4 stars; one submission).

Submission:

Labcorp Genetics (formerly Invitae), Labcorp
Classification: Uncertain significance. Last evaluated: 2023-08-10. Review status: criteria provided, single submitter. Criteria: Invitae Variant Classification Sherloc (09022015). Collection method: clinical testing. Allele origin: germline.
Comment: This sequence change replaces leucine, which is neutral and non-polar, with serine, which is neutral and polar, at codon 1272 of the TRPM1 protein (p.Leu1272Ser). This variant is not present in population databases (gnomAD no frequency). In summary, the available evidence is currently insufficient to determine the role of this variant in disease. Therefore, it has been classified as a Variant of Uncertain Significance. Advanced modeling of protein sequence and biophysical properties (such as structural, functional, and spatial information, amino acid conservation, physicochemical variation, residue mobility, and thermodynamic stability) has been performed at Invitae for this missense variant, however the output from this modeling did not meet the statistical confidence thresholds required to predict the impact of this variant on TRPM1 protein function. ClinVar contains an entry for this variant (Variation ID: 2014093). This variant has not been reported in the literature in individuals affected with TRPM1-related conditions.

NM_001252024.2(TRPM1):c.3881T>C (p.Leu1294Ser)

Gene: TRPM1 (transient receptor potential cation channel subfamily M member 1; minus strand). Cytogenetic location: 15q13.3.
Variant type: single nucleotide variant.
Coding change: c.3881T>C on transcript NM_001252024.2 (MANE Select); coding-DNA position 3881, T replaced by C.
Protein change: p.Leu1294Ser; replaces leucine 1294 with serine.
Molecular consequence: missense variant.
Genome position (GRCh38, 1-based): chr15:31,002,819, A>G on the plus strand (T>C on the coding strand, the complement: TRPM1 is on the minus strand). VCF-style: chr15-31002819-A-G. GRCh37 (hg19) VCF-style: chr15-31295022-A-G.
Other names: c.3932T>C, p.Leu1311Ser (NM_001252020.2); c.3815T>C, p.Leu1272Ser (NM_002420.6); short protein forms L1272S, L1311S, L1294S.
Identifiers: ClinVar variation 2014093 (VCV002014093.4), dbSNP rs2543115162, ClinGen allele CA391530714.